The following is an entry in ClinVar:

ClinVar aggregate classification (germline): Uncertain significance. Review status: criteria provided, multiple submitters, no conflicts (2 of 4 stars). 3 submissions from 3 submitters: Uncertain significance (3). Last evaluated 2024-01-27.

Conditions:
Hereditary cancer-predisposing syndrome. Also called: Tumor predisposition; Hereditary neoplastic syndrome; Neoplastic Syndromes, Hereditary; Hereditary Cancer Syndrome. Identifiers: Orphanet 140162, MedGen C0027672, MeSH D009386, MONDO:0015356.
Ataxia-telangiectasia syndrome (AT). Also called: Ataxia-telangiectasia, complementation group D; AT, COMPLEMENTATION GROUP C; ATAXIA-TELANGIECTASIA, COMPLEMENTATION GROUP A; ATAXIA-TELANGIECTASIA, FRESNO VARIANT; Ataxia-telangiectasia; LOUIS-BAR SYNDROME. Identifiers: Orphanet 100, MedGen C0004135, MONDO:0008840, OMIM 208900.

Allele frequency attached by ClinVar (database versions not stated): ExAC 0.00001; gnomAD exomes below 0.00001.

Submissions (3):

Labcorp Genetics (formerly Invitae), Labcorp
Classification: Uncertain significance for Ataxia-telangiectasia syndrome. Last evaluated: 2024-01-27. Review status: criteria provided, single submitter. Criteria: Invitae Variant Classification Sherloc (09022015). Collection method: clinical testing. Allele origin: germline.
Comment: This sequence change replaces leucine, which is neutral and non-polar, with proline, which is neutral and non-polar, at codon 2312 of the ATM protein (p.Leu2312Pro). This variant is present in population databases (rs761352263, gnomAD 0.0009%). This variant has not been reported in the literature in individuals affected with ATM-related conditions. ClinVar contains an entry for this variant (Variation ID: 653540). An algorithm developed to predict the effect of missense changes on protein structure and function (PolyPhen-2) suggests that this variant is likely to be disruptive. In summary, the available evidence is currently insufficient to determine the role of this variant in disease. Therefore, it has been classified as a Variant of Uncertain Significance.

GeneDx
Classification: Uncertain significance. Last evaluated: 2024-01-18. Review status: criteria provided, single submitter. Criteria: GeneDx Variant Classification Process June 2021. Collection method: clinical testing. Allele origin: germline. Affected: yes.
Comment: Not observed at significant frequency in large population cohorts (gnomAD); In silico analysis supports that this missense variant has a deleterious effect on protein structure/function; Has not been previously published as pathogenic or benign to our knowledge; This variant is associated with the following publications: (PMID: 27959900, 23532176)

Ambry Genetics
Classification: Uncertain significance for Hereditary cancer-predisposing syndrome. Last evaluated: 2019-11-21. Review status: criteria provided, single submitter. Criteria: Ambry Variant Classification Scheme 2023. Collection method: clinical testing. Allele origin: germline.
Comment: The p.L2312P variant (also known as c.6935T>C), located in coding exon 46 of the ATM gene, results from a T to C substitution at nucleotide position 6935. The leucine at codon 2312 is replaced by proline, an amino acid with similar properties. This amino acid position is highly conserved in available vertebrate species. In addition, this alteration is predicted to be deleterious by in silico analysis. Since supporting evidence is limited at this time, the clinical significance of this alteration remains unclear.

NM_000051.4(ATM):c.6935T>C (p.Leu2312Pro)

Genes: ATM (ATM serine/threonine kinase; plus strand), C11orf65 (chromosome 11 open reading frame 65; minus strand). Cytogenetic location: 11q22.3.
Variant type: single nucleotide variant.
Coding change: c.6935T>C on transcript NM_000051.4 (MANE Select); coding-DNA position 6935, T replaced by C.
Protein change: p.Leu2312Pro; replaces leucine 2312 with proline.
Molecular consequence: missense variant. On other transcripts: intron variant (2).
Genome position (GRCh38, 1-based): chr11:108,326,185, T>C. VCF-style: chr11-108326185-T-C. GRCh37 (hg19) VCF-style: chr11-108196912-T-C.
Other names: c.6935T>C, p.Leu2312Pro (NM_001351834.2); c.641-17114A>G (NM_001330368.2); c.*38+9035A>G (NM_001351110.2); short protein forms L2312P.
Identifiers: ClinVar variation 653540 (VCV000653540.12), dbSNP rs761352263, ClinGen allele CA6266034.
Genomic context (GRCh38, chr11:108,326,185, plus strand): 5'-AGCTGGAAGAAGCACAAGTATTCTGGGCAAAAAAGGAGCAGAGTCTTGCCCTGAGTATTC[T>C]CAAGCAAATGATCAAGAAGTTGGATGCCAGCTGTGCAGCGGTTTGTTTTTTTTATTGGCT-3'
Protein context (NP_000042.3, residues 2302-2322): KKEQSLALSI[Leu2312Pro]KQMIKKLDAS